The following is an entry in ClinVar:

NM_003036.4(SKI):c.954G>T (p.Lys318Asn)

Gene: SKI (SKI proto-oncogene; plus strand). Cytogenetic location: 1p36.33.
Variant type: single nucleotide variant.
Coding change: c.954G>T on transcript NM_003036.4 (MANE Select); coding-DNA position 954, G replaced by T.
Protein change: p.Lys318Asn; replaces lysine 318 with asparagine.
Molecular consequence: missense variant.
Genome position (GRCh38, 1-based): chr1:2,229,720, G>T. VCF-style: chr1-2229720-G-T. GRCh37 (hg19) VCF-style: chr1-2161159-G-T.
Other names: short protein forms K318N.
Identifiers: ClinVar variation 4294050 (VCV004294050.1).
Genomic context (GRCh38, chr1:2,229,720, plus strand): 5'-GCGCCTCGGCCGCTGCCTGGACGACGTGAAGGAGAAATTCGACTATGGCAACAAGTACAA[G>T]CGGCGGGTGCCCCGGGTGAGTGGCCCCAGGCCTGGGAGCTGGGGAGGATGCGCTTGGGGT-3'
Protein context (NP_003027.1, residues 308-328): KEKFDYGNKY[Lys318Asn]RRVPRVSSEP

ClinVar aggregate classification (germline): Uncertain significance (1 of 4 stars; one submission).

Conditions:
Shprintzen-Goldberg syndrome (SGS). Also called: SHPRINTZEN-GOLDBERG CRANIOSYNOSTOSIS SYNDROME; CRANIOSYNOSTOSIS WITH ARACHNODACTYLY AND ABDOMINAL HERNIAS; Marfanoid disorder with craniosynostosis type 1; Marfanoid craniosynostosis syndrome; Shprintzen-Goldberg marfanoid syndrome. Identifiers: Orphanet 2462, MedGen C1321551, MONDO:0008426, OMIM 182212.

Submission:

3billion
Classification: Uncertain significance for Shprintzen-Goldberg syndrome. Last evaluated: 2024-12-24. Review status: criteria provided, single submitter. Criteria: ACMG Guidelines, 2015. Collection method: clinical testing. Allele origin: germline. Affected: yes.
Comment: The variant is not observed in the gnomAD v4.1.0 dataset. Predicted Consequence/Location: Missense variant. Missense changes are a common disease-causing mechanism. The SMAD-binding domain of SKI is a hotspot for Shprintzen–Goldberg syndrome; however, this variant is located outside of that domain (PMID: 24736733). In silico tool predictions suggest damaging effect of the variant on gene or gene product [REVEL: 0.62 (>=0.6, sensitivity 0.68 and specificity 0.92); 3Cnet: 0.00 (>=0.6, sensitivity 0.72 and precision 0.9)]. Therefore, this variant is classified as VUS according to the recommendation of ACMG/AMP guideline.